The following is an entry in ClinVar:

NM_152618.3(BBS12):c.926T>C (p.Met309Thr)

Gene: BBS12 (Bardet-Biedl syndrome 12; plus strand). Cytogenetic location: 4q27.
Variant type: single nucleotide variant.
Coding change: c.926T>C on transcript NM_152618.3 (MANE Select); coding-DNA position 926, T replaced by C.
Protein change: p.Met309Thr; replaces methionine 309 with threonine.
Molecular consequence: missense variant.
Genome position (GRCh38, 1-based): chr4:122,742,818, T>C. VCF-style: chr4-122742818-T-C. GRCh37 (hg19) VCF-style: chr4-123663973-T-C.
Other names: c.926T>C, p.Met309Thr (NM_001178007.2); short protein forms M309T.
Identifiers: ClinVar variation 4984379 (VCV004984379.1).
Genomic context (GRCh38, chr4:122,742,818, plus strand): 5'-CAGTACAGCTGCAATATCAGAATGCTTGTGTGCAACAAGGCAACTGTACAAAACCATTTA[T>C]GTTTGACATTTCAAGAATTTTCACTTGCTGTCTACCAGGCTTACCTGAAACTTCTTCTTG-3'
Protein context (NP_689831.2, residues 299-319): VQQGNCTKPF[Met309Thr]FDISRIFTCC

ClinVar aggregate classification (germline): Uncertain significance (1 of 4 stars; one submission).

Conditions:
BBS12-related disorder. Also called: BBS12-related condition.

Submission:

PreventionGenetics, part of Exact Sciences
Classification: Uncertain significance for BBS12-related condition. Last evaluated: 2026-04-13. Review status: criteria provided, single submitter. Criteria: ACMG Guidelines, 2015. Collection method: clinical testing. Allele origin: germline.
Comment: The BBS12 c.926T>C variant is predicted to result in the amino acid substitution p.Met309Thr. To our knowledge, this variant has not been reported in the literature or in a large population database (gnomAD), indicating this variant is rare. At this time, the clinical significance of this variant is uncertain due to the absence of conclusive functional and genetic evidence.